The following is an entry in ClinVar:

NM_003060.4(SLC22A5):c.1342G>A (p.Val448Met)

Gene: SLC22A5 (solute carrier family 22 member 5; plus strand). Cytogenetic location: 5q31.1.
Variant type: single nucleotide variant.
Coding change: c.1342G>A on transcript NM_003060.4 (MANE Select); coding-DNA position 1342, G replaced by A.
Protein change: p.Val448Met; replaces valine 448 with methionine.
Molecular consequence: missense variant.
Genome position (GRCh38, 1-based): chr5:132,392,507, G>A. VCF-style: chr5-132392507-G-A. GRCh37 (hg19) VCF-style: chr5-131728199-G-A.
Other names: p.Val448Met; c.1414G>A, p.Val472Met (NM_001308122.2); short protein forms V472M, V448M.
Identifiers: ClinVar variation 1394736 (VCV001394736.9), dbSNP rs386134219, ClinGen allele CA360808752.

ClinVar aggregate classification (germline): Uncertain significance. Review status: criteria provided, multiple submitters, no conflicts (2 of 4 stars). 2 submissions from 2 submitters: Uncertain significance (2). Last evaluated 2024-10-24.

Conditions:
Renal carnitine transport defect (CDSP). Also called: Systemic primary carnitine deficiency disease; Primary carnitine deficiency; CARNITINE DEFICIENCY, SYSTEMIC, DUE TO DEFECT IN RENAL REABSORPTION OF CARNITINE; CARNITINE TRANSPORTER, PLASMA-MEMBRANE, DEFICIENCY OF; CARNITINE UPTAKE DEFECT; Carnitine Deficiency, Systemic. Identifiers: Orphanet 158, MedGen C0342788, MONDO:0008919, OMIM 212140.

Allele frequency attached by ClinVar (database versions not stated): gnomAD exomes below 0.00001 and 0.00001; gnomAD 0.00001.
gnomAD v4.1: 8 of 1,614,024 alleles (0.0005%); highest among the groups gnomAD compares: East Asian, 0.0089%; no homozygotes.

Submissions (2):

Labcorp Genetics (formerly Invitae), Labcorp
Classification: Uncertain significance for Renal carnitine transport defect. Last evaluated: 2024-10-24. Review status: criteria provided, single submitter. Criteria: Invitae Variant Classification Sherloc (09022015). Collection method: clinical testing. Allele origin: germline.
Comment: This sequence change replaces valine, which is neutral and non-polar, with methionine, which is neutral and non-polar, at codon 448 of the SLC22A5 protein (p.Val448Met). This variant is present in population databases (no rsID available, gnomAD 0.01%). This variant has not been reported in the literature in individuals affected with SLC22A5-related conditions. ClinVar contains an entry for this variant (Variation ID: 1394736). Invitae Evidence Modeling of protein sequence and biophysical properties (such as structural, functional, and spatial information, amino acid conservation, physicochemical variation, residue mobility, and thermodynamic stability) indicates that this missense variant is expected to disrupt SLC22A5 protein function with a positive predictive value of 95%. This variant disrupts the p.Val448 amino acid residue in SLC22A5. Other variant(s) that disrupt this residue have been observed in individuals with SLC22A5-related conditions (PMID: 28841266, 34249102), which suggests that this may be a clinically significant amino acid residue. In summary, the available evidence is currently insufficient to determine the role of this variant in disease. Therefore, it has been classified as a Variant of Uncertain Significance.

Giacomini Lab, University of California, San Francisco
Classification: Uncertain significance for Renal carnitine transport defect. Last evaluated: 2022-10-03. Review status: criteria provided, single submitter. Criteria: ACMG Guidelines, 2015. Collection method: research, in vitro. Allele origin: germline, not applicable.

Literature cited by the submitters: PubMed 28841266 (cited by Labcorp Genetics (formerly Invitae), Labcorp); PubMed 34249102 (cited by Labcorp Genetics (formerly Invitae), Labcorp).